The following is an entry in ClinVar:

ClinVar aggregate classification (germline): Conflicting classifications of pathogenicity. Review status: criteria provided, conflicting classifications (1 of 4 stars). 4 submissions from 4 submitters: Uncertain significance (3); Likely benign (1). Last evaluated 2020-10-23.

Conditions:
Cardiovascular phenotype. Identifiers: MedGen CN230736.
Dilated cardiomyopathy 1G (CMD1G). Identifiers: Orphanet 154, MedGen C1858763, MONDO:0011400, OMIM 604145.
Autosomal recessive limb-girdle muscular dystrophy type 2J (LGMDR10). Also called: Limb-girdle muscular dystrophy, type 2J; MUSCULAR DYSTROPHY, LIMB-GIRDLE, AUTOSOMAL RECESSIVE 10. Identifiers: Orphanet 140922, MedGen C1837342, MONDO:0012127, OMIM 608807.

Allele frequency attached by ClinVar (database versions not stated): TOPMed 0.00002.
gnomAD v4.1: 57 of 1,612,784 alleles (0.0035%); highest among the groups gnomAD compares: Non-Finnish European, 0.0044%; no homozygotes.

Submissions (4):

Revvity Omics, Revvity
Classification: Uncertain significance. Last evaluated: 2020-10-23. Review status: criteria provided, single submitter. Criteria: ACMG Guidelines, 2015. Collection method: clinical testing. Allele origin: germline.

GeneDx
Classification: Likely benign. Last evaluated: 2020-09-01. Review status: criteria provided, single submitter. Criteria: GeneDx Variant Classification Process June 2021. Collection method: clinical testing. Allele origin: germline. Affected: yes.

Labcorp Genetics (formerly Invitae), Labcorp
Classification: Uncertain significance for Dilated cardiomyopathy 1G; Autosomal recessive limb-girdle muscular dystrophy type 2J. Last evaluated: 2017-06-05. Review status: criteria provided, single submitter. Criteria: Invitae Variant Classification Sherloc (09022015). Collection method: clinical testing. Allele origin: germline.

Ambry Genetics
Classification: Uncertain significance for Cardiovascular phenotype. Last evaluated: 2013-02-27. Review status: criteria provided, single submitter. Criteria: Ambry Autosomal Dominant and X-Linked criteria (10/2015). Collection method: clinical testing. Allele origin: germline. Observed: 1 variant allele.
Comment: There is insufficient or conflicting evidence for classification of this alteration.

NM_001267550.2(TTN):c.44375T>A (p.Ile14792Asn)

Gene: TTN (titin; minus strand). Cytogenetic location: 2q31.2.
Variant type: single nucleotide variant.
Coding change: c.44375T>A on transcript NM_001267550.2 (MANE Select); coding-DNA position 44375, T replaced by A.
Protein change: p.Ile14792Asn; replaces isoleucine 14792 with asparagine.
Molecular consequence: missense variant.
Genome position (GRCh38, 1-based): chr2:178,629,350, A>T on the plus strand (T>A on the coding strand, the complement: TTN is on the minus strand). VCF-style: chr2-178629350-A-T. GRCh37 (hg19) VCF-style: chr2-179494077-A-T.
Other names: c.39452T>A, p.Ile13151Asn (NM_001256850.1); c.17180T>A, p.Ile5727Asn (NM_003319.4); c.36671T>A, p.Ile12224Asn (NM_133378.4); c.17555T>A, p.Ile5852Asn (NM_133432.3); c.17756T>A, p.Ile5919Asn (NM_133437.4); short protein forms I12224N, I14792N, I13151N, I5852N, I5727N, I5919N.
Identifiers: ClinVar variation 263536 (VCV000263536.10), dbSNP rs747654057, ClinGen allele CA1995663.
Genomic context (GRCh38, chr2:178,629,350, plus strand): 5'-CTGCTTTTTACCTTATCGCTGGGCTCTAGTTTCTTCCCTTTGAGATACCATTCCACTGGG[A>T]TATCTTCGTAGGAGAGCTCGCAGTCGAAGGTGGCTGTTTCCCCTGCAGTCACGGTGACAT-3'
Protein context (NP_001254479.2, residues 14782-14802): TFDCELSYED[Ile14792Asn]PVEWYLKGKK